The following is an entry in ClinVar:

NM_018714.3(COG1):c.2626_2629dup (p.Gly877fs)

Gene: COG1 (component of oligomeric golgi complex 1; plus strand). Cytogenetic location: 17q25.1.
Variant type: Duplication.
Coding change: c.2626_2629dup on transcript NM_018714.3 (MANE Select); coding-DNA positions 2626 to 2629, 4 bases duplicated (TTTG; older notation c.2626_2629dupTTTG).
Protein change: p.Gly877fs; shifts the reading frame from glycine 877.
Molecular consequence: frameshift variant.
Genome position (GRCh38, 1-based): chr17:73,206,714-73,206,717, TTTG duplicated; duplicating any 4 consecutive bases within chr17:73,206,712-73,206,717 gives the same sequence; the c. name uses the placement nearest the transcript's 3' end. VCF-style (leftmost placement, unchanged base first): chr17-73206711-C-CTGTT. GRCh37 (hg19) VCF-style: chr17-71202850-C-CTGTT.
Other names: short protein forms G877fs.
Identifiers: ClinVar variation 4740975 (VCV004740975.1), dbSNP rs1568298983.
Genomic context (GRCh38, chr17:73,206,711, plus strand): 5'-TTTTTGCCTTTCTTTTACCTGCACAATGAAACCTCTGCTCCACCTCTTGTCTGCCAGGTT[C>CTGTT]TGTTTGGATTGGTGACTGGTACAGAGAATCAGCTCGCCCCCCGGAGCAGTACGTTCAACT-3'

ClinVar aggregate classification (germline): Pathogenic (1 of 4 stars; one submission).

Conditions:
COG1 congenital disorder of glycosylation (CDG2G). Also called: CONGENITAL DISORDER OF GLYCOSYLATION, TYPE IIg; CDG IIg; CDGII/COG1 CEREBROCOSTOMANDIBULAR-LIKE SYNDROME. Identifiers: Orphanet 263508, MedGen C2931011, MONDO:0012637, OMIM 611209.

Submission:

Labcorp Genetics (formerly Invitae), Labcorp
Classification: Pathogenic for COG1 congenital disorder of glycosylation. Last evaluated: 2025-06-23. Review status: criteria provided, single submitter. Criteria: Invitae Variant Classification Sherloc (09022015). Collection method: clinical testing. Allele origin: germline.
Comment: This sequence change creates a premature translational stop signal (p.Gly877Valfs*25) in the COG1 gene. It is expected to result in an absent or disrupted protein product. Loss-of-function variants in COG1 are known to be pathogenic (PMID: 16537452). This variant is present in population databases (no rsID available, gnomAD no frequency). This variant has not been reported in the literature in individuals affected with COG1-related conditions. For these reasons, this variant has been classified as Pathogenic.

Literature cited by the submitters: PubMed 16537452.